The following is an entry in ClinVar:

ClinVar aggregate classification (germline): Likely benign. Review status: criteria provided, multiple submitters, no conflicts (2 of 4 stars). 2 submissions from 2 submitters: Likely benign (2). Last evaluated 2026-07-01.

Conditions:
Blau syndrome (BLAUS). Also called: ARTHROCUTANEOUVEAL GRANULOMATOSIS; GRANULOMATOSIS, FAMILIAL JUVENILE SYSTEMIC; GRANULOMATOSIS, FAMILIAL, BLAU TYPE; GRANULOMATOUS INFLAMMATORY ARTHRITIS, DERMATITIS, AND UVEITIS, FAMILIAL; JABS SYNDROME. Identifiers: Orphanet 90340, MedGen C5201146, MONDO:0008523, OMIM 186580.
Regional enteritis. Also called: Enteritis, Granulomatous. Identifiers: MedGen C0678202, MeSH D003424.

Allele frequency attached by ClinVar (database versions not stated): gnomAD 0.00003 and 0.00004.
gnomAD v4.1: 17 of 1,613,486 alleles (0.0011%); highest among the groups gnomAD compares: African/African-American, 0.0053%; no homozygotes.

Submissions (2):

CeGaT Center for Human Genetics Tuebingen
Classification: Likely benign. Last evaluated: 2026-07-01. Review status: criteria provided, single submitter. Criteria: CeGaT Center For Human Genetics Tuebingen Variant Classification Criteria Version 2. Collection method: clinical testing. Allele origin: germline. Affected: yes. Observed: 1 variant allele.
Comment: NOD2: BP4, BP7

Labcorp Genetics (formerly Invitae), Labcorp
Classification: Likely benign for Regional enteritis; Blau syndrome. Last evaluated: 2025-06-12. Review status: criteria provided, single submitter. Criteria: Invitae Variant Classification Sherloc (09022015). Collection method: clinical testing. Allele origin: germline.

NM_001370466.1(NOD2):c.2088G>A (p.Pro696=)

Gene: NOD2 (nucleotide binding oligomerization domain containing 2; plus strand). Cytogenetic location: 16q12.1.
Variant type: single nucleotide variant.
Coding change: c.2088G>A on transcript NM_001370466.1 (MANE Select); coding-DNA position 2088, G replaced by A.
Protein change: p.Pro696=; no amino-acid change (proline 696 retained).
Molecular consequence: synonymous variant. On other transcripts: non-coding transcript variant (1).
Genome position (GRCh38, 1-based): chr16:50,712,080, G>A. VCF-style: chr16-50712080-G-A. GRCh37 (hg19) VCF-style: chr16-50745991-G-A.
Other names: c.2088G>A, p.Pro696= (NM_001293557.2); c.2169G>A, p.Pro723= (NM_022162.3).
Identifiers: ClinVar variation 1078410 (VCV001078410.10), dbSNP rs754856212, ClinGen allele CA281263972.